The following is an entry in ClinVar:

ClinVar aggregate classification (germline): Pathogenic (1 of 4 stars; one submission).

gnomAD v4.1: 2 of 1,613,704 alleles (0.00012%); highest among the groups gnomAD compares: Non-Finnish European, 0.00017%; no homozygotes.

Submission:

Labcorp Genetics (formerly Invitae), Labcorp
Classification: Pathogenic. Last evaluated: 2022-08-10. Review status: criteria provided, single submitter. Criteria: Invitae Variant Classification Sherloc (09022015). Collection method: clinical testing. Allele origin: germline.
Comment: This variant has not been reported in the literature in individuals affected with LRP5-related conditions. This variant is not present in population databases (gnomAD no frequency). This sequence change creates a premature translational stop signal (p.Glu1094*) in the LRP5 gene. It is expected to result in an absent or disrupted protein product. Loss-of-function variants in LRP5 are known to be pathogenic (PMID: 11719191, 16252235, 25711638). For these reasons, this variant has been classified as Pathogenic.

Literature cited by the submitters: PubMed 11719191; PubMed 16252235; PubMed 25711638.

NM_002335.4(LRP5):c.3280G>T (p.Glu1094Ter)

Gene: LRP5 (LDL receptor related protein 5; plus strand). Cytogenetic location: 11q13.2.
Variant type: single nucleotide variant.
Coding change: c.3280G>T on transcript NM_002335.4 (MANE Select); coding-DNA position 3280, G replaced by T.
Protein change: p.Glu1094Ter; replaces glutamic acid 1094 with a stop codon.
Molecular consequence: nonsense.
Genome position (GRCh38, 1-based): chr11:68,425,145, G>T. VCF-style: chr11-68425145-G-T. GRCh37 (hg19) VCF-style: chr11-68192613-G-T.
Other names: c.1537G>T, p.Glu513Ter (NM_001291902.2); short protein forms E513*, E1094*.
Identifiers: ClinVar variation 2119017 (VCV002119017.4), dbSNP rs1433868957, ClinGen allele CA381621362.